The following is an entry in ClinVar:

NM_003322.6(TULP1):c.1549G>C (p.Asp517His)

Gene: TULP1 (TUB like protein 1; minus strand). Cytogenetic location: 6p21.31.
Variant type: single nucleotide variant.
Coding change: c.1549G>C on transcript NM_003322.6 (MANE Select); coding-DNA position 1549, G replaced by C.
Protein change: p.Asp517His; replaces aspartic acid 517 with histidine.
Molecular consequence: missense variant.
Genome position (GRCh38, 1-based): chr6:35,498,407, C>G on the plus strand (G>C on the coding strand, the complement: TULP1 is on the minus strand). VCF-style: chr6-35498407-C-G. GRCh37 (hg19) VCF-style: chr6-35466184-C-G.
Other names: c.1390G>C, p.Asp464His (NM_001289395.2); short protein forms D464H, D517H.
Identifiers: ClinVar variation 1428780 (VCV001428780.6), dbSNP rs2150921594, ClinGen allele CA363778291.

ClinVar aggregate classification (germline): Uncertain significance (1 of 4 stars; one submission).

Submission:

Labcorp Genetics (formerly Invitae), Labcorp
Classification: Uncertain significance. Last evaluated: 2024-12-02. Review status: criteria provided, single submitter. Criteria: Invitae Variant Classification Sherloc (09022015). Collection method: clinical testing. Allele origin: germline.
Comment: This sequence change replaces aspartic acid, which is acidic and polar, with histidine, which is basic and polar, at codon 517 of the TULP1 protein (p.Asp517His). This variant is not present in population databases (gnomAD no frequency). This variant has not been reported in the literature in individuals affected with TULP1-related conditions. ClinVar contains an entry for this variant (Variation ID: 1428780). Invitae Evidence Modeling of protein sequence and biophysical properties (such as structural, functional, and spatial information, amino acid conservation, physicochemical variation, residue mobility, and thermodynamic stability) indicates that this missense variant is expected to disrupt TULP1 protein function with a positive predictive value of 95%. In summary, the available evidence is currently insufficient to determine the role of this variant in disease. Therefore, it has been classified as a Variant of Uncertain Significance.